The following is an entry in ClinVar:

NM_004260.4(RECQL4):c.1516G>A (p.Ala506Thr)

Gene: RECQL4 (RecQ like helicase 4; minus strand). Cytogenetic location: 8q24.3.
Variant type: single nucleotide variant.
Coding change: c.1516G>A on transcript NM_004260.4 (MANE Select); coding-DNA position 1516, G replaced by A.
Protein change: p.Ala506Thr; replaces alanine 506 with threonine.
Molecular consequence: missense variant.
Genome position (GRCh38, 1-based): chr8:144,515,040, C>T on the plus strand (G>A on the coding strand, the complement: RECQL4 is on the minus strand). VCF-style: chr8-144515040-C-T. GRCh37 (hg19) VCF-style: chr8-145740424-C-T.
Other names: c.1420G>A, p.Ala474Thr (NM_001413017.1, NM_001413020.1); c.1516G>A, p.Ala506Thr (NM_001413018.1, NM_001413019.1, NM_001413033.1 and 1 more transcripts); c.445G>A, p.Ala149Thr (NM_001413021.1, NM_001413022.1, NM_001413023.1 and 7 more transcripts); c.1387G>A, p.Ala463Thr (NM_001413025.1); c.379G>A, p.Ala127Thr (NM_001413027.1, NM_001413030.1, NM_001413031.1 and 2 more transcripts); c.1165G>A, p.Ala389Thr (NM_001413029.1); c.1486G>A, p.Ala496Thr (NM_001413039.1); c.415G>A, p.Ala139Thr (NM_001413042.1); and 2 more; short protein forms A149T, A506T, A17T, A496T, A127T, A139T, A389T, A463T.
Identifiers: ClinVar variation 2100858 (VCV002100858.5), dbSNP rs1473530499, ClinGen allele CA372684106.

ClinVar aggregate classification (germline): Uncertain significance. Review status: criteria provided, multiple submitters, no conflicts (2 of 4 stars). 2 submissions from 2 submitters: Uncertain significance (2). Last evaluated 2026-07-13.

Conditions:
Inborn genetic diseases. Identifiers: MedGen C0950123, MeSH D030342.
Baller-Gerold syndrome (BGS). Also called: CRANIOSYNOSTOSIS WITH RADIAL DEFECTS. Identifiers: Orphanet 1225, MedGen C0265308, MONDO:0009039, OMIM 218600.

Allele frequency attached by ClinVar (database versions not stated): gnomAD exomes below 0.00001.
gnomAD v4.1: 1 of 1,609,652 alleles (0.000062%); highest among the groups gnomAD compares: Non-Finnish European, 0.000085%; no homozygotes.

Submissions (2):

Ambry Genetics
Classification: Uncertain significance for Inborn genetic diseases. Last evaluated: 2026-07-13. Review status: criteria provided, single submitter. Criteria: Ambry Variant Classification Scheme 2023. Collection method: clinical testing. Allele origin: germline.
Comment: The p.A506T variant (also known as c.1516G>A), located in coding exon 9 of the RECQL4 gene, results from a G to A substitution at nucleotide position 1516. The alanine at codon 506 is replaced by threonine, an amino acid with similar properties. This amino acid position is conserved. In addition, the in silico prediction for this alteration is inconclusive. Based on the available evidence, the clinical significance of this variant remains unclear.

Labcorp Genetics (formerly Invitae), Labcorp
Classification: Uncertain significance for Baller-Gerold syndrome. Last evaluated: 2022-02-22. Review status: criteria provided, single submitter. Criteria: Invitae Variant Classification Sherloc (09022015). Collection method: clinical testing. Allele origin: germline.
Comment: This sequence change replaces alanine, which is neutral and non-polar, with threonine, which is neutral and polar, at codon 506 of the RECQL4 protein (p.Ala506Thr). In summary, the available evidence is currently insufficient to determine the role of this variant in disease. Therefore, it has been classified as a Variant of Uncertain Significance. Experimental studies and prediction algorithms are not available or were not evaluated, and the functional significance of this variant is currently unknown. This variant has not been reported in the literature in individuals affected with RECQL4-related conditions. This variant is not present in population databases (gnomAD no frequency).